The following is an entry in ClinVar:

NM_182493.3(MYLK3):c.1488T>C (p.Pro496=)

Gene: MYLK3 (myosin light chain kinase 3; minus strand). Cytogenetic location: 16q11.2.
Variant type: single nucleotide variant.
Coding change: c.1488T>C on transcript NM_182493.3 (MANE Select); coding-DNA position 1488, T replaced by C.
Protein change: p.Pro496=; no amino-acid change (proline 496 retained).
Molecular consequence: synonymous variant.
Genome position (GRCh38, 1-based): chr16:46,730,673, A>G on the plus strand (T>C on the coding strand, the complement: MYLK3 is on the minus strand). VCF-style: chr16-46730673-A-G. GRCh37 (hg19) VCF-style: chr16-46764585-A-G.
Other names: p.Pro496=; c.465T>C, p.Pro155= (NM_001308301.1).
Identifiers: ClinVar variation 1576780 (VCV001576780.10), dbSNP rs56003096, ClinGen allele CA8037963.

ClinVar aggregate classification (germline): Benign. Review status: criteria provided, multiple submitters, no conflicts (2 of 4 stars). 3 submissions from 3 submitters: Benign (3). Last evaluated 2026-02-03.

Allele frequency attached by ClinVar (database versions not stated): 1000 Genomes Project 0.00639; 1000 Genomes Project 30x 0.00671; ExAC 0.01142; gnomAD exomes 0.01225 and 0.01646; TOPMed 0.01244; gnomAD 0.01317 and 0.01391; ESP Exome Variant Server 0.01430.
gnomAD v4.1: 25,964 of 1,613,932 alleles (1.6%); highest among the groups gnomAD compares: Non-Finnish European, 1.9%; 228 homozygotes.

Submissions (3):

Labcorp Genetics (formerly Invitae), Labcorp
Classification: Benign. Last evaluated: 2026-02-03. Review status: criteria provided, single submitter. Criteria: Invitae Variant Classification Sherloc (09022015). Collection method: clinical testing. Allele origin: germline.

Mayo Clinic Laboratories, Mayo Clinic
Classification: Benign. Last evaluated: 2024-02-08. Review status: criteria provided, single submitter. Criteria: ACMG Guidelines, 2015. Collection method: clinical testing. Allele origin: germline. Observed: 15 variant alleles.
Comment: BS1, BS2, BP4, BP7

Breakthrough Genomics
Classification: Benign. Review status: criteria provided, single submitter. Criteria: ACMG Guidelines, 2015. Collection method: not provided. Allele origin: germline. Inheritance: Unknown mechanism. Affected: yes.